The following is an entry in ClinVar:

NM_000142.5(FGFR3):c.1949A>C (p.Lys650Thr)

Gene: FGFR3 (fibroblast growth factor receptor 3; plus strand). Cytogenetic location: 4p16.3.
Variant type: single nucleotide variant.
Coding change: c.1949A>C on transcript NM_000142.5 (MANE Select); coding-DNA position 1949, A replaced by C.
Protein change: p.Lys650Thr; replaces lysine 650 with threonine.
Molecular consequence: missense variant. On other transcripts: non-coding transcript variant (1).
Genome position (GRCh38, 1-based): chr4:1,806,163, A>C. VCF-style: chr4-1806163-A-C. GRCh37 (hg19) VCF-style: chr4-1807890-A-C.
Other names: c.1949A>C; c.1955A>C, p.Lys652Thr (NM_001163213.2); c.1952A>C, p.Lys651Thr (NM_001354809.2, NM_001354810.2); c.1613A>C, p.Lys538Thr (NM_022965.4); short protein forms K650T, K652T, K538T, K651T.
Identifiers: ClinVar variation 65855 (VCV000065855.31), dbSNP rs121913105, ClinGen allele CA345185.

ClinVar aggregate classification (germline): Pathogenic. Review status: criteria provided, multiple submitters, no conflicts (2 of 4 stars). 14 submissions from 14 submitters: Pathogenic (13). 1 of the submissions does not count toward it. Last evaluated 2026-09-09.

Conditions:
FGFR3-related disorder. Also called: FGFR3-related disorders.
FGFR3-related chondrodysplasia. Identifiers: Orphanet 93420, MedGen C5681604, MONDO:0019685.
Hypochondroplasia (HCH). Identifiers: Orphanet 429, MedGen C0410529, MONDO:0007793, OMIM 146000. Disease mechanism: gain of function.
Camptodactyly-tall stature-scoliosis-hearing loss syndrome. Also called: CATSHL SYNDROME. Identifiers: Orphanet 85164, MedGen C1864852, MONDO:0012504, OMIM 610474.
Severe achondroplasia-developmental delay-acanthosis nigricans syndrome. Also called: Severe achondroplasia with developmental delay and acanthosis nigricans; SADDAN dysplasia. Identifiers: Orphanet 85165, MedGen C2674173, MONDO:0014658, OMIM 616482.
Achondroplasia (ACH). Also called: Achondroplastic dwarfism. Identifiers: Orphanet 15, MedGen C0001080, MONDO:0007037, OMIM 100800. Disease mechanism: gain of function.
Cervical cancer. Also called: Cancer of cervix; Cervix cancer; Cervical cancer, somatic. Identifiers: MedGen C4048328, MONDO:0002974, OMIM 603956, HP:0030079.
Crouzon syndrome-acanthosis nigricans syndrome. Also called: CROUZONODERMOSKELETAL SYNDROME. Identifiers: Orphanet 93262, MedGen C2677099, MONDO:0012833, OMIM 612247.
Levy-Hollister syndrome (LADD). Also called: LADD syndrome. Identifiers: Orphanet 2363, MedGen C0265269, MONDO:0007872.
Thanatophoric dysplasia type 1 (TD1). Also called: Thanatophoric Dysplasia Type 1 (TD Type 1); LETHAL SHORT-LIMBED PLATYSPONDYLIC DWARFISM, SAN DIEGO TYPE; PLATYSPONDYLIC LETHAL SKELETAL DYSPLASIA, SAN DIEGO TYPE. Identifiers: Orphanet 1860, Orphanet 2655, MedGen C1868678, MONDO:0008546, OMIM 187600. Disease mechanism: gain of function.
Thanatophoric dysplasia, type 2 (TD2). Also called: CLOVERLEAF SKULL WITH THANATOPHORIC DWARFISM; Thanatophoric Dysplasia Type 2 (TD Type 2); THANATOPHORIC DYSPLASIA WITH KLEEBLATTSCHAEDEL; THANATOPHORIC DYSPLASIA WITH STRAIGHT FEMURS AND CLOVERLEAF SKULL. Identifiers: Orphanet 2655, Orphanet 93274, MedGen C1300257, MONDO:0008547, OMIM 187601. Disease mechanism: gain of function.
Malignant tumor of testis. Also called: Testicular cancer. Identifiers: MedGen C0153594, MONDO:0005447.
Muenke syndrome (MNKES). Also called: MUENKE NONSYNDROMIC CORONAL CRANIOSYNOSTOSIS. Identifiers: Orphanet 53271, MedGen C1864436, MONDO:0011274, OMIM 602849.
Malignant tumor of urinary bladder. Also called: Urinary bladder cancer; Urinary Bladder Neoplasms; Bladder cancer. Identifiers: MedGen C0005684, MONDO:0001187, OMIM 109800.
Carcinoma of colon (CRC). Also called: Colon carcinoma; Colonic carcinoma. Identifiers: MedGen C0699790, MONDO:0002032.
Epidermal nevus. Also called: NEVUS, KERATINOCYTIC, NONEPIDERMOLYTIC; Nevus, epidermal, somatic. Identifiers: Orphanet 79414, MedGen C0334082, MONDO:0008093, OMIM 162900, HP:0010816.

Allele frequency attached by ClinVar (database versions not stated): gnomAD exomes below 0.00001; gnomAD 0.00001; TOPMed 0.00001.
gnomAD v4.1: 4 of 1,612,928 alleles (0.00025%); highest among the groups gnomAD compares: African/African-American, 0.0013%; no homozygotes.

Submissions 1 to 9 of 14:

Clinical Genetics Laboratory, Skane University Hospital Lund
Classification: Pathogenic for Hypochondroplasia. Last evaluated: 2026-09-09. Review status: criteria provided, single submitter. Criteria: ACMG Guidelines, 2015. Collection method: clinical testing. Allele origin: germline. Affected: yes.
Comment: ACMG criteria used: PS4, PM5, PP1_strong, PP3, PP4

Genomenon, Inc
Classification: Pathogenic for FGFR3-related chondrodysplasia. Last evaluated: 2026-06-23. Review status: criteria provided, single submitter. Criteria: Genomenon Sequence Variant Interpretation Standards - Updated. Collection method: curation. Allele origin: germline. Affected: yes.
Comment: FGFR3 p.Lys650Thr (c.1949A>C) is a missense variant that changes the amino acid at codon 650 from Lysine to Threonine. This variant has been observed in multiple probands with hypochondroplasia (PMID:30762251;25809207;30635042;18583390;37529476;29026271). The variant was found to segregate with disease in at least one affected family (PMID:18583390;25809207). A de novo occurrence of this variant has been observed in at least one affected individual (PMID:30635042). At least one functional study has demonstrated a substantial alteration in protein function relative to the wild-type (PMID:11055896;23871672). It is absent or not present at a significant frequency in gnomAD. In silico models predict that this variant is possibly or probably damaging. In conclusion, we classify FGFR3 p.Lys650Thr (c.1949A>C) as a pathogenic variant.

Dasa
Classification: Pathogenic for Hypochondroplasia. Last evaluated: 2026-04-06. Review status: criteria provided, single submitter. Criteria: DASA Assertion Criteria. Collection method: clinical testing. Allele origin: germline. Observed: 1 variant allele.
Comment: NM_000142.5(FGFR3):c.1949A>C (p.Lys650Thr) introduces a lysine-to-threonine substitution at a known mutational hotspot. Functional studies support a gain-of-function effect, and this variant is recurrently observed in individuals with skeletal dysplasia phenotypes. Based on the available data, this variant is classified as Pathogenic.

PreventionGenetics, part of Exact Sciences
Classification: Pathogenic for FGFR3-related condition. Last evaluated: 2025-11-04. Review status: criteria provided, single submitter. Criteria: ACMG Guidelines, 2015. Collection method: clinical testing. Allele origin: germline.
Comment: The FGFR3 c.1949A>C variant is predicted to result in the amino acid substitution p.Lys650Thr. This variant has been reported many times to be pathogenic for acanthosis nigricans with or without hypochondroplasia (see examples: Berk et al. 2007. PubMed ID: 17875876; Castro-Feijóo et al. 2008. PubMed ID: 18583390; Hirai et al. 2017. PubMed ID: 29026271; Fu et al. 2019. PubMed ID: 30635042). This variant has not been reported in a large population database (gnomAD), indicating this variant is rare. This variant is interpreted as pathogenic.

Clinical Biomedical Laboratory, Shriners Hospital For Children - Canada
Classification: Pathogenic for Hypochondroplasia. Last evaluated: 2025-10-05. Review status: criteria provided, single submitter. Criteria: ACMG Guidelines, 2015. Collection method: clinical testing. Allele origin: germline. Affected: yes.
Comment: This variant is predicted to substitute a lysine residue by a threonine residue in FGFR3. In the Genome Aggregation Database (gnomAD v2.1.1) this variant is not present. Computational tools (REVEL: 0.781) suggest that the amino acid change is damaging to protein function. The affected nucleotide is conserved in evolution (PhyloP100 = 8.89, highly conserved). This variant is an established cause of hypochondroplasia that has been described in the literature several times (e.g., PMID 30635042). The variant can also be associated with acanthosis nigricans (PMID 30635042).

Labcorp Genetics (formerly Invitae), Labcorp
Classification: Pathogenic. Last evaluated: 2025-09-18. Review status: criteria provided, single submitter. Criteria: Invitae Variant Classification Sherloc (09022015). Collection method: clinical testing. Allele origin: germline.
Comment: This sequence change replaces lysine, which is basic and polar, with threonine, which is neutral and polar, at codon 650 of the FGFR3 protein (p.Lys650Thr). This variant is not present in population databases (gnomAD no frequency). This missense change has been observed in individual(s) with acanthosis nigricans (PMID: 17875876, 18583390, 25809207, 26818779). It has also been observed to segregate with disease in related individuals. ClinVar contains an entry for this variant (Variation ID: 65855). Invitae Evidence Modeling of protein sequence and biophysical properties (such as structural, functional, and spatial information, amino acid conservation, physicochemical variation, residue mobility, and thermodynamic stability) indicates that this missense variant is expected to disrupt FGFR3 protein function with a positive predictive value of 95%. Experimental studies have shown that this missense change affects FGFR3 function (PMID: 11055896). For these reasons, this variant has been classified as Pathogenic.

3billion
Classification: Pathogenic for Hypochondroplasia. Last evaluated: 2024-08-01. Review status: criteria provided, single submitter. Criteria: ACMG Guidelines, 2015. Collection method: clinical testing. Allele origin: germline. Affected: yes.
Comment: The variant is observed at an extremely low frequency in the gnomAD v4.0.0 dataset (total allele frequency: <0.001%). Predicted Consequence/Location: Missense changes are a common disease-causing mechanism. In silico tool predictions suggest damaging effect of the variant on gene or gene product [REVEL: 0.78 (>=0.6, sensitivity 0.68 and specificity 0.92); 3Cnet: 0.99 (>=0.6, sensitivity 0.72 and precision 0.9)]. The same nucleotide change resulting in the same amino acid change has been previously reported as pathogenic/likely pathogenic with strong evidence (ClinVar ID: VCV000065855 /PMID: 17875876). The variant has been observed in at least two similarly affected unrelated individuals (PMID: 25614871). Different missense changes at the same codon (p.Lys650Asn, p.Lys650Gln, p.Lys650Glu, p.Lys650Met) have been reported as pathogenic/likely pathogenic with strong evidence (ClinVar ID: VCV000016331, VCV000016341, VCV000016346, VCV000016347, VCV000016348 /PMID: 10671061, 11055896, 7773297 /3billion dataset). Therefore, this variant is classified as Pathogenic according to the recommendation of ACMG/AMP guideline.

GeneDx
Classification: Pathogenic. Last evaluated: 2024-02-16. Review status: criteria provided, single submitter. Criteria: GeneDx Variant Classification Process June 2021. Collection method: clinical testing. Allele origin: germline. Affected: yes.
Comment: Published functional studies demonstrate the K650T variant significantly increased FGFR3 tyrosine kinase activation as compared to wildtype (PMID: 11055896); Not observed at significant frequency in large population cohorts (gnomAD); This variant is associated with the following publications: (PMID: 28181399, 25809207, 28620983, 26818779, 17875876, 29068064, 31036092, 29026271, 34358384, 11055896, 18583390, 30635042)

Blueprint Genetics
Classification: Pathogenic for FGFR3-related disorders. Last evaluated: 2024-02-15. Review status: criteria provided, single submitter. Criteria: ACMG Guidelines, 2015. Collection method: clinical testing. Allele origin: germline. Affected: yes. Observed: 5 variant alleles.